The following is an entry in ClinVar:

ClinVar aggregate classification (germline): Uncertain significance (1 of 4 stars; one submission).

Conditions:
Cardiovascular phenotype. Identifiers: MedGen CN230736.

Submission:

Ambry Genetics
Classification: Uncertain significance for Cardiovascular phenotype. Last evaluated: 2020-07-14. Review status: criteria provided, single submitter. Criteria: Ambry Variant Classification Scheme 2023. Collection method: clinical testing. Allele origin: germline.
Comment: The p.G1153W variant (also known as c.3457G>T), located in coding exon 16 of the MYPN gene, results from a G to T substitution at nucleotide position 3457. The glycine at codon 1153 is replaced by tryptophan, an amino acid with highly dissimilar properties. A different variant affecting this codon (p.G1153R, c.3457G>A) has been detected in a left ventricular noncompaction cohort (Richard P et al. Clin. Genet., 2019 Mar;95:356-367). This amino acid position is highly conserved in available vertebrate species. In addition, this alteration is predicted to be deleterious by in silico analysis. Since supporting evidence is limited at this time, the clinical significance of this alteration remains unclear.

NM_032578.4(MYPN):c.3457G>T (p.Gly1153Trp)

Gene: MYPN (myopalladin; plus strand). Cytogenetic location: 10q21.3.
Variant type: single nucleotide variant.
Coding change: c.3457G>T on transcript NM_032578.4 (MANE Select); coding-DNA position 3457, G replaced by T.
Protein change: p.Gly1153Trp; replaces glycine 1153 with tryptophan.
Molecular consequence: missense variant. On other transcripts: non-coding transcript variant (2).
Genome position (GRCh38, 1-based): chr10:68,199,539, G>T. VCF-style: chr10-68199539-G-T. GRCh37 (hg19) VCF-style: chr10-69959296-G-T.
Other names: c.3457G>T, p.Gly1153Trp (NM_001256267.2); c.2575G>T, p.Gly859Trp (NM_001256268.2); short protein forms G859W, G1153W.
Identifiers: ClinVar variation 1731600 (VCV001731600.2), dbSNP rs763805681, ClinGen allele CA376859361.